The following is an entry in ClinVar:

NM_003745.2(SOCS1):c.139G>A (p.Ala47Thr)

Gene: SOCS1 (suppressor of cytokine signaling 1; minus strand). Cytogenetic location: 16p13.13.
Variant type: single nucleotide variant.
Coding change: c.139G>A on transcript NM_003745.2 (MANE Select); coding-DNA position 139, G replaced by A.
Protein change: p.Ala47Thr; replaces alanine 47 with threonine.
Molecular consequence: missense variant.
Genome position (GRCh38, 1-based): chr16:11,255,340, C>T on the plus strand (G>A on the coding strand, the complement: SOCS1 is on the minus strand). VCF-style: chr16-11255340-C-T. GRCh37 (hg19) VCF-style: chr16-11349197-C-T.
Other names: short protein forms A47T.
Identifiers: ClinVar variation 1878286 (VCV001878286.1), dbSNP rs768681189, ClinGen allele CA394740679.

ClinVar aggregate classification (germline): Uncertain significance (1 of 4 stars; one submission).

gnomAD v4.1: 1 of 1,428,902 alleles (0.00007%); highest among the groups gnomAD compares: South Asian, 0.0015%; no homozygotes.

Submission:

Women's Health and Genetics/Laboratory Corporation of America, LabCorp
Classification: Uncertain significance. Last evaluated: 2022-12-12. Review status: criteria provided, single submitter. Criteria: LabCorp Variant Classification Summary - May 2015. Collection method: clinical testing. Allele origin: germline.
Comment: Variant summary: SOCS1 c.139G>A (p.Ala47Thr) results in a non-conservative amino acid change in the encoded protein sequence. Three of five in-silico tools predict a benign effect of the variant on protein function. The variant was absent in 47678 control chromosomes. The available data on variant occurrences in the general population are insufficient to allow any conclusion about variant significance. To our knowledge, no occurrence of c.139G>A in individuals affected with Autoinflammatory Syndrome, Familial, With Or Without Immunodeficiency and no experimental evidence demonstrating its impact on protein function have been reported. No clinical diagnostic laboratories have submitted clinical-significance assessments for this variant to ClinVar after 2014. Based on the evidence outlined above, the variant was classified as uncertain significance.